The following is an entry in ClinVar:

NM_001844.5(COL2A1):c.631C>A (p.Pro211Thr)

Gene: COL2A1 (collagen type II alpha 1 chain; minus strand). Cytogenetic location: 12q13.11.
Variant type: single nucleotide variant.
Coding change: c.631C>A on transcript NM_001844.5 (MANE Select); coding-DNA position 631, C replaced by A.
Protein change: p.Pro211Thr; replaces proline 211 with threonine.
Molecular consequence: missense variant.
Genome position (GRCh38, 1-based): chr12:47,995,898, G>T on the plus strand (C>A on the coding strand, the complement: COL2A1 is on the minus strand). VCF-style: chr12-47995898-G-T. GRCh37 (hg19) VCF-style: chr12-48389681-G-T.
Other names: c.424C>A, p.Pro142Thr (NM_033150.3); short protein forms P211T, P142T.
Identifiers: ClinVar variation 4747082 (VCV004747082.1).
Genomic context (GRCh38, chr12:47,995,898, plus strand): 5'-CGACACGATGGAGGCAAAAAGAATTGCAGATACTTACAGGAGCACCTGCAGGGCCTGGAG[G>T]TCCTCGAGGTCCCATGGGGCCCTGCATCGGAACAGAAAATGAGGGGTTTACTACACATGC-3'
Protein context (NP_001835.3, residues 201-221): GPMGPMGPRG[Pro211Thr]PGPAGAPGPQ

ClinVar aggregate classification (germline): Uncertain significance (1 of 4 stars; one submission).

Submission:

Labcorp Genetics (formerly Invitae), Labcorp
Classification: Uncertain significance. Last evaluated: 2025-02-23. Review status: criteria provided, single submitter. Criteria: Invitae Variant Classification Sherloc (09022015). Collection method: clinical testing. Allele origin: germline.
Comment: This sequence change replaces proline, which is neutral and non-polar, with threonine, which is neutral and polar, at codon 211 of the COL2A1 protein (p.Pro211Thr). This variant is not present in population databases (gnomAD no frequency). This variant has not been reported in the literature in individuals affected with COL2A1-related conditions. Invitae Evidence Modeling of protein sequence and biophysical properties (such as structural, functional, and spatial information, amino acid conservation, physicochemical variation, residue mobility, and thermodynamic stability) indicates that this missense variant is not expected to disrupt COL2A1 protein function with a negative predictive value of 95%. In summary, the available evidence is currently insufficient to determine the role of this variant in disease. Therefore, it has been classified as a Variant of Uncertain Significance.